The following is an entry in ClinVar:

NM_003664.5(AP3B1):c.3177A>G (p.Thr1059=)

Gene: AP3B1 (adaptor related protein complex 3 subunit beta 1; minus strand). Cytogenetic location: 5q14.1.
Variant type: single nucleotide variant.
Coding change: c.3177A>G on transcript NM_003664.5 (MANE Select); coding-DNA position 3177, A replaced by G.
Protein change: p.Thr1059=; no amino-acid change (threonine 1059 retained).
Molecular consequence: synonymous variant.
Genome position (GRCh38, 1-based): chr5:78,003,010, T>C on the plus strand (A>G on the coding strand, the complement: AP3B1 is on the minus strand). VCF-style: chr5-78003010-T-C. GRCh37 (hg19) VCF-style: chr5-77298834-T-C.
Other names: c.3030A>G, p.Thr1010= (NM_001271769.2).
Identifiers: ClinVar variation 3051415 (VCV003051415.2), dbSNP rs1218354573, ClinGen allele CA445190566.
Genomic context (GRCh38, chr5:78,003,010, plus strand): 5'-AATCACAGTTTTCTCAGTGTTTATGATAAGCTGGGCTGTAGAGCCTTCCTTCAGTTCCAC[T>C]GTGACTAGCATCAATGACCCACTGTGCACAGTTTTAGCTGCAAACCTGGAAGAGAAAAAA-3'
Protein context (NP_003655.3, residues 1049-1069): TVHSGSLMLV[Thr1059=]VELKEGSTAQ

ClinVar aggregate classification (germline): Likely benign (0 of 4 stars; one submission).

Conditions:
AP3B1-related disorder. Also called: AP3B1-related condition.

Submission:

PreventionGenetics, part of Exact Sciences
Classification: Likely benign for AP3B1-related condition. Last evaluated: 2023-03-09. Review status: no assertion criteria provided. Collection method: clinical testing. Allele origin: germline.
Comment: This variant is classified as likely benign based on ACMG/AMP sequence variant interpretation guidelines (Richards et al. 2015 PMID: 25741868, with internal and published modifications).